The following is an entry in ClinVar:

ClinVar aggregate classification (germline): Uncertain significance. Review status: criteria provided, multiple submitters, no conflicts (2 of 4 stars). 3 submissions from 3 submitters: Uncertain significance (2). 1 of the submissions does not count toward it. Last evaluated 2025-07-20.

Conditions:
GANAB-related disorder. Also called: GANAB-related condition.

Allele frequency attached by ClinVar (database versions not stated): ExAC 0.00002; gnomAD exomes 0.00001; gnomAD 0.00005; TOPMed 0.00010.
gnomAD v4.1: 23 of 1,613,788 alleles (0.0014%); highest among the groups gnomAD compares: Admixed American, 0.0067%; no homozygotes.

Submissions (3):

Labcorp Genetics (formerly Invitae), Labcorp
Classification: Uncertain significance. Last evaluated: 2025-07-20. Review status: criteria provided, single submitter. Criteria: Invitae Variant Classification Sherloc (09022015). Collection method: clinical testing. Allele origin: germline.
Comment: This sequence change replaces arginine, which is basic and polar, with tryptophan, which is neutral and slightly polar, at codon 742 of the GANAB protein (p.Arg742Trp). This variant is present in population databases (rs760131084, gnomAD 0.01%). This variant has not been reported in the literature in individuals affected with GANAB-related conditions. ClinVar contains an entry for this variant (Variation ID: 2972270). Invitae Evidence Modeling of protein sequence and biophysical properties (such as structural, functional, and spatial information, amino acid conservation, physicochemical variation, residue mobility, and thermodynamic stability) indicates that this missense variant is not expected to disrupt GANAB protein function with a negative predictive value of 80%. In summary, the available evidence is currently insufficient to determine the role of this variant in disease. Therefore, it has been classified as a Variant of Uncertain Significance.

GeneDx
Classification: Uncertain significance. Last evaluated: 2024-05-28. Review status: criteria provided, single submitter. Criteria: GeneDx Variant Classification Process June 2021. Collection method: clinical testing. Allele origin: germline. Affected: yes.
Comment: In silico analysis indicates that this missense variant does not alter protein structure/function; Has not been previously published as pathogenic or benign to our knowledge

PreventionGenetics, part of Exact Sciences
Classification: Uncertain significance for GANAB-related condition. Last evaluated: 2024-04-09. Review status: no assertion criteria provided. Collection method: clinical testing. Allele origin: germline. Not counted in ClinVar's aggregate classification.
Comment: The GANAB c.2224C>T variant is predicted to result in the amino acid substitution p.Arg742Trp. To our knowledge, this variant has not been reported in the literature. This variant is reported in 0.0096% of alleles in individuals of Ashkenazi Jewish descent in gnomAD. At this time, the clinical significance of this variant is uncertain due to the absence of conclusive functional and genetic evidence.

NM_198334.3(GANAB):c.2158C>T (p.Arg720Trp)

Gene: GANAB (glucosidase II alpha subunit; minus strand). Cytogenetic location: 11q12.3.
Variant type: single nucleotide variant.
Coding change: c.2158C>T on transcript NM_198334.3 (MANE Select); coding-DNA position 2158, C replaced by T.
Protein change: p.Arg720Trp; replaces arginine 720 with tryptophan.
Molecular consequence: missense variant.
Genome position (GRCh38, 1-based): chr11:62,628,791, G>A on the plus strand (C>T on the coding strand, the complement: GANAB is on the minus strand). VCF-style: chr11-62628791-G-A. GRCh37 (hg19) VCF-style: chr11-62396263-G-A.
Other names: c.2224C>T (NM_198335.3); c.1882C>T, p.Arg628Trp (NM_001278192.2); c.1816C>T, p.Arg606Trp (NM_001278193.2); c.1867C>T, p.Arg623Trp (NM_001278194.2, NM_001329222.2, NM_001329223.2); c.1435C>T, p.Arg479Trp (NM_001329224.2, NM_001329225.2); c.2224C>T, p.Arg742Trp (NM_198335.4); short protein forms R479W, R606W, R720W, R623W, R742W, R628W.
Identifiers: ClinVar variation 2972270 (VCV002972270.5), dbSNP rs760131084, ClinGen allele CA6050573.